The following is an entry in ClinVar:

ClinVar aggregate classification (germline): Uncertain significance (1 of 4 stars; one submission).

Conditions:
Amyotrophic lateral sclerosis type 1 (ALS1). Also called: AMYOTROPHIC LATERAL SCLEROSIS 1, FAMILIAL. Identifiers: Orphanet 803, MedGen C1862939, MONDO:0007103, OMIM 105400.
Neuronopathy, distal hereditary motor, type 7B. Also called: HMN VIIB; LOWER MOTOR NEURON DISEASE, DYNACTIN TYPE; NEURONOPATHY, DISTAL HEREDITARY MOTOR, AUTOSOMAL DOMINANT 14; NEURONOPATHY, DISTAL HEREDITARY MOTOR, HARDING TYPE VIIB; NEUROPATHY, DISTAL HEREDITARY MOTOR, HARDING TYPE VIIB; NEUROPATHY, DISTAL HEREDITARY MOTOR, WITH VOCAL CORD PARALYSIS, HARDING TYPE VIIB. Identifiers: Orphanet 139589, MedGen C1843315, MONDO:0011879, OMIM 607641.
Perry syndrome. Also called: PARKINSONISM WITH ALVEOLAR HYPOVENTILATION AND MENTAL DEPRESSION. Identifiers: Orphanet 178509, MedGen C1868594, MONDO:0008201, OMIM 168605.

Submission:

Labcorp Genetics (formerly Invitae), Labcorp
Classification: Uncertain significance for Amyotrophic lateral sclerosis type 1; Neuronopathy, distal hereditary motor, type 7B; Perry syndrome. Last evaluated: 2024-08-14. Review status: criteria provided, single submitter. Criteria: Invitae Variant Classification Sherloc (09022015). Collection method: clinical testing. Allele origin: germline.
Comment: This sequence change replaces alanine, which is neutral and non-polar, with valine, which is neutral and non-polar, at codon 626 of the DCTN1 protein (p.Ala626Val). This variant is not present in population databases (gnomAD no frequency). This variant has not been reported in the literature in individuals affected with DCTN1-related conditions. Invitae Evidence Modeling of protein sequence and biophysical properties (such as structural, functional, and spatial information, amino acid conservation, physicochemical variation, residue mobility, and thermodynamic stability) indicates that this missense variant is not expected to disrupt DCTN1 protein function with a negative predictive value of 80%. In summary, the available evidence is currently insufficient to determine the role of this variant in disease. Therefore, it has been classified as a Variant of Uncertain Significance.

NM_004082.5(DCTN1):c.1877C>T (p.Ala626Val)

Gene: DCTN1 (dynactin subunit 1; minus strand). Cytogenetic location: 2p13.1.
Variant type: single nucleotide variant.
Coding change: c.1877C>T on transcript NM_004082.5 (MANE Select); coding-DNA position 1877, C replaced by T.
Protein change: p.Ala626Val; replaces alanine 626 with valine.
Molecular consequence: missense variant. On other transcripts: non-coding transcript variant (1).
Genome position (GRCh38, 1-based): chr2:74,368,109, G>A on the plus strand (C>T on the coding strand, the complement: DCTN1 is on the minus strand). VCF-style: chr2-74368109-G-A. GRCh37 (hg19) VCF-style: chr2-74595236-G-A.
Other names: c.1817C>T, p.Ala606Val (NM_001135040.3); c.1475C>T, p.Ala492Val (NM_001135041.3, NM_023019.4); c.1766C>T, p.Ala589Val (NM_001190836.2); c.1856C>T, p.Ala619Val (NM_001190837.2); c.1826C>T, p.Ala609Val (NM_001378991.1); c.1808C>T, p.Ala603Val (NM_001378992.1); short protein forms A492V, A589V, A603V, A606V, A609V, A619V, A626V.
Identifiers: ClinVar variation 3751247 (VCV003751247.2).